The following is an entry in ClinVar:

NM_000038.6(APC):c.8476A>T (p.Ser2826Cys)

Gene: APC (APC regulator of Wnt signaling pathway; plus strand). Cytogenetic location: 5q22.2.
Variant type: single nucleotide variant.
Coding change: c.8476A>T on transcript NM_000038.6 (MANE Select); coding-DNA position 8476, A replaced by T.
Protein change: p.Ser2826Cys; replaces serine 2826 with cysteine.
Molecular consequence: missense variant. On other transcripts: non-coding transcript variant (2).
Genome position (GRCh38, 1-based): chr5:112,844,070, A>T. VCF-style: chr5-112844070-A-T. GRCh37 (hg19) VCF-style: chr5-112179767-A-T.
Other names: c.8353A>T, p.Ser2785Cys (NM_001354900.2); c.8299A>T, p.Ser2767Cys (NM_001354901.2, NM_001407453.1); c.8203A>T, p.Ser2735Cys (NM_001354902.2); c.8173A>T, p.Ser2725Cys (NM_001354903.2, NM_001407458.1, NM_001407459.1 and 1 more transcripts); c.8098A>T, p.Ser2700Cys (NM_001354904.2); c.7996A>T, p.Ser2666Cys (NM_001354905.2); c.7627A>T, p.Ser2543Cys (NM_001354906.2, NM_001407470.1); c.8560A>T, p.Ser2854Cys (NM_001407446.1); and 11 more; short protein forms S2743C, S2785C, S2801C, S2844C, S2442C, S2697C, S2767C, S2826C.
Identifiers: ClinVar variation 3304669 (VCV003304669.1).

ClinVar aggregate classification (germline): Uncertain significance (1 of 4 stars; one submission).

Conditions:
Hereditary cancer-predisposing syndrome. Also called: Tumor predisposition; Hereditary Cancer Syndrome; Hereditary neoplastic syndrome; Neoplastic Syndromes, Hereditary. Identifiers: Orphanet 140162, MedGen C0027672, MeSH D009386, MONDO:0015356.

Submission:

Ambry Genetics
Classification: Uncertain significance for Hereditary cancer-predisposing syndrome. Last evaluated: 2024-04-12. Review status: criteria provided, single submitter. Criteria: Ambry Variant Classification Scheme 2023. Collection method: clinical testing. Allele origin: germline.
Comment: The p.S2826C variant (also known as c.8476A>T), located in coding exon 15 of the APC gene, results from an A to T substitution at nucleotide position 8476. The serine at codon 2826 is replaced by cysteine, an amino acid with dissimilar properties. This amino acid position is conserved. In addition, in silico predictors for this gene do not accurately predict pathogenicity. Based on the available evidence, the clinical significance of this variant remains unclear.